The following is an entry in ClinVar:

NM_020928.2(ZSWIM6):c.3095C>G (p.Thr1032Arg)

Gene: ZSWIM6 (zinc finger SWIM-type containing 6; plus strand). Cytogenetic location: 5q12.1.
Variant type: single nucleotide variant.
Coding change: c.3095C>G on transcript NM_020928.2 (MANE Select); coding-DNA position 3095, C replaced by G.
Protein change: p.Thr1032Arg; replaces threonine 1032 with arginine.
Molecular consequence: missense variant.
Genome position (GRCh38, 1-based): chr5:61,543,764, C>G. VCF-style: chr5-61543764-C-G. GRCh37 (hg19) VCF-style: chr5-60839591-C-G.
Other names: short protein forms T1032R.
Identifiers: ClinVar variation 3708555 (VCV003708555.2).

ClinVar aggregate classification (germline): Uncertain significance (1 of 4 stars; one submission).

Submission:

Labcorp Genetics (formerly Invitae), Labcorp
Classification: Uncertain significance. Last evaluated: 2024-12-24. Review status: criteria provided, single submitter. Criteria: Invitae Variant Classification Sherloc (09022015). Collection method: clinical testing. Allele origin: germline.
Comment: This sequence change replaces threonine, which is neutral and polar, with arginine, which is basic and polar, at codon 1032 of the ZSWIM6 protein (p.Thr1032Arg). This variant is not present in population databases (gnomAD no frequency). This variant has not been reported in the literature in individuals affected with ZSWIM6-related conditions. Invitae Evidence Modeling of protein sequence and biophysical properties (such as structural, functional, and spatial information, amino acid conservation, physicochemical variation, residue mobility, and thermodynamic stability) indicates that this missense variant is not expected to disrupt ZSWIM6 protein function with a negative predictive value of 80%. In summary, the available evidence is currently insufficient to determine the role of this variant in disease. Therefore, it has been classified as a Variant of Uncertain Significance.